The following is an entry in ClinVar:

ClinVar aggregate classification (germline): Benign. Review status: criteria provided, multiple submitters, no conflicts (2 of 4 stars). 6 submissions from 6 submitters: Benign (5). 1 of the submissions does not count toward it. Last evaluated 2026-09-01.

Conditions:
Tremor, hereditary essential, 5 (ETM5). Identifiers: MedGen C4225223, MONDO:0014756, OMIM 616736.
TENM4-related disorder. Also called: TENM4-related condition.

Allele frequency attached by ClinVar (database versions not stated): 1000 Genomes Project 0.00280; 1000 Genomes Project 30x 0.00281; gnomAD 0.00510 and 0.00511; ExAC 0.00518; gnomAD exomes 0.00534 and 0.00637; TOPMed 0.00560; ESP Exome Variant Server 0.00578.
gnomAD v4.1: 10,114 of 1,603,962 alleles (0.63%); highest among the groups gnomAD compares: South Asian, 0.7%; 52 homozygotes.

Submissions (6):

CeGaT Center for Human Genetics Tuebingen
Classification: Benign. Last evaluated: 2026-09-01. Review status: criteria provided, single submitter. Criteria: CeGaT Center For Human Genetics Tuebingen Variant Classification Criteria Version 2. Collection method: clinical testing. Allele origin: germline. Affected: yes. Observed: 15 variant alleles.
Comment: TENM4: BS1, BS2

ARUP Laboratories, Molecular Genetics and Genomics, ARUP Laboratories
Classification: Benign for Tremor, hereditary essential, 5. Last evaluated: 2023-11-22. Review status: criteria provided, single submitter. Criteria: ARUP Molecular Germline Variant Investigation Process 2024. Collection method: clinical testing. Allele origin: germline.

Mayo Clinic Laboratories, Mayo Clinic
Classification: Benign. Last evaluated: 2023-02-22. Review status: criteria provided, single submitter. Criteria: ACMG Guidelines, 2015. Collection method: clinical testing. Allele origin: germline. Observed: 13 variant alleles.
Comment: BS1, BS2, BP4

Labcorp Genetics (formerly Invitae), Labcorp
Classification: Benign. Last evaluated: 2019-12-31. Review status: criteria provided, single submitter. Criteria: Invitae Variant Classification Sherloc (09022015). Collection method: clinical testing. Allele origin: germline.

Breakthrough Genomics
Classification: Benign. Review status: criteria provided, single submitter. Criteria: ACMG Guidelines, 2015. Collection method: not provided. Allele origin: germline. Inheritance: Autosomal dominant inheritance. Affected: yes.

PreventionGenetics, part of Exact Sciences
Classification: Benign for TENM4-related condition. Last evaluated: 2020-02-06. Review status: no assertion criteria provided. Collection method: clinical testing. Allele origin: germline. Not counted in ClinVar's aggregate classification.
Comment: This variant is classified as benign based on ACMG/AMP sequence variant interpretation guidelines (Richards et al. 2015 PMID: 25741868, with internal and published modifications).

NM_001098816.3(TENM4):c.2894A>G (p.Asn965Ser)

Gene: TENM4 (teneurin transmembrane protein 4; minus strand). Cytogenetic location: 11q14.1.
Variant type: single nucleotide variant.
Coding change: c.2894A>G on transcript NM_001098816.3 (MANE Select); coding-DNA position 2894, A replaced by G.
Protein change: p.Asn965Ser; replaces asparagine 965 with serine.
Molecular consequence: missense variant.
Genome position (GRCh38, 1-based): chr11:78,732,560, T>C on the plus strand (A>G on the coding strand, the complement: TENM4 is on the minus strand). VCF-style: chr11-78732560-T-C. GRCh37 (hg19) VCF-style: chr11-78443605-T-C.
Other names: p.Asn965Ser; short protein forms N965S.
Identifiers: ClinVar variation 773828 (VCV000773828.31), dbSNP rs141471364, ClinGen allele CA6207166.